The following is an entry in ClinVar:

ClinVar aggregate classification (germline): Benign/Likely benign. Review status: criteria provided, multiple submitters, no conflicts (2 of 4 stars). 6 submissions from 6 submitters: Benign (1); Likely benign (5). Last evaluated 2025-12-31.

Conditions:
Familial juvenile hyperuricemic nephropathy type 1 (ADTKD1). Also called: UMOD-Associated Kidney Disease; Uromodulin-associated kidney disease; Glomerulocystic kidney disease with hyperuricemia and isosthenuria; Medullary cystic kidney disease 2; Autosomal Dominant Tubulointerstitial Kidney Disease – UMOD. Identifiers: Orphanet 209886, Orphanet 34149, Orphanet 88950, MedGen C4551496, MONDO:0008073, OMIM 162000.
UMOD-related disorder. Also called: UMOD-related condition.

Allele frequency attached by ClinVar (database versions not stated): ESP Exome Variant Server 0.00008; gnomAD 0.00016 and 0.00027; TOPMed 0.00022; gnomAD exomes 0.00040 and 0.00071; ExAC 0.00079; 1000 Genomes Project 30x 0.00094; 1000 Genomes Project 0.00120.

Submissions (6):

Labcorp Genetics (formerly Invitae), Labcorp
Classification: Benign. Last evaluated: 2025-12-31. Review status: criteria provided, single submitter. Criteria: Invitae Variant Classification Sherloc (09022015). Collection method: clinical testing. Allele origin: germline.

PreventionGenetics, part of Exact Sciences
Classification: Likely benign for UMOD-related condition. Last evaluated: 2025-03-17. Review status: criteria provided, single submitter. Criteria: ACMG Guidelines, 2015. Collection method: clinical testing. Allele origin: germline.
Comment: This variant is classified as likely benign based on ACMG/AMP sequence variant interpretation guidelines (Richards et al. 2015 PMID: 25741868, with internal and published modifications).

Blueprint Genetics
Classification: Likely benign. Last evaluated: 2024-11-25. Review status: criteria provided, single submitter. Criteria: ACMG Guidelines, 2015. Collection method: clinical testing. Allele origin: germline.

Genetic Services Laboratory, University of Chicago
Classification: Likely benign. Last evaluated: 2018-03-08. Review status: criteria provided, single submitter. Criteria: ACMG Guidelines, 2015. Collection method: clinical testing. Allele origin: germline. Affected: no.

Illumina Laboratory Services, Illumina
Classification: Likely benign for UMOD-Associated Kidney Disease. Last evaluated: 2017-04-28. Review status: criteria provided, single submitter. Criteria: ICSL Variant Classification Criteria 13 December 2019. Collection method: clinical testing. Allele origin: germline.
Comment: This variant was observed as part of a predisposition screen in an ostensibly healthy population. A literature search was performed for the gene, cDNA change, and amino acid change (where applicable). Publications were found based on this search. The evidence from the literature, in combination with allele frequency data from public databases where available, was sufficient to determine this variant is unlikely to cause disease. Therefore, this variant is classified as likely benign.

Breakthrough Genomics
Classification: Likely benign. Review status: criteria provided, single submitter. Criteria: ACMG Guidelines, 2015. Collection method: not provided. Allele origin: germline. Inheritance: Autosomal dominant inheritance. Affected: yes.

Literature cited by the submitters: PubMed 22693617 (cited by Illumina Laboratory Services, Illumina).

NM_003361.4(UMOD):c.1916T>C (p.Phe639Ser)

Gene: UMOD (uromodulin; minus strand). Cytogenetic location: 16p12.3.
Variant type: single nucleotide variant.
Coding change: c.1916T>C on transcript NM_003361.4 (MANE Select); coding-DNA position 1916, T replaced by C.
Protein change: p.Phe639Ser; replaces phenylalanine 639 with serine.
Molecular consequence: missense variant. On other transcripts: non-coding transcript variant (1).
Genome position (GRCh38, 1-based): chr16:20,333,321, A>G on the plus strand (T>C on the coding strand, the complement: UMOD is on the minus strand). VCF-style: chr16-20333321-A-G. GRCh37 (hg19) VCF-style: chr16-20344643-A-G.
Other names: c.1916T>C, p.Phe639Ser (NM_001008389.3, NM_001378232.1, NM_001378233.1); c.2015T>C, p.Phe672Ser (NM_001278614.2); c.2057T>C, p.Phe686Ser (NM_001378234.1, NM_001378235.1); short protein forms F639S, F672S, F686S.
Identifiers: ClinVar variation 318282 (VCV000318282.21), dbSNP rs145165861, ClinGen allele CA7938974.